The following is an entry in ClinVar:

ClinVar aggregate classification (germline): Benign/Likely benign. Review status: criteria provided, multiple submitters, no conflicts (2 of 4 stars). 4 submissions from 4 submitters: Benign (1); Likely benign (3). Last evaluated 2026-07-30.

Conditions:
Hereditary pheochromocytoma and paraganglioma. Also called: Hereditary Paraganglioma-Pheochromocytoma Syndromes; Hereditary paragangliomas and pheochromocytomas; Hereditary pheochromocytoma-paraganglioma. Identifiers: Orphanet 29072, MedGen C4274332, MONDO:0017366.
Hereditary cancer-predisposing syndrome. Also called: Tumor predisposition; Neoplastic Syndromes, Hereditary; Hereditary neoplastic syndrome; Hereditary Cancer Syndrome. Identifiers: Orphanet 140162, MedGen C0027672, MeSH D009386, MONDO:0015356.
Pheochromocytoma. Also called: MAX-Related Hereditary Paraganglioma-Pheochromocytoma Syndrome. Identifiers: Orphanet 29072, MedGen C0031511, MONDO:0008233, OMIM 171300, HP:0002666.

Allele frequency attached by ClinVar (database versions not stated): ExAC 0.00002; gnomAD exomes 0.00001.
gnomAD v4.1: 3 of 1,614,128 alleles (0.00019%); highest among the groups gnomAD compares: Non-Finnish European, 0.00025%; no homozygotes.

Submissions (4):

Myriad Genetics, Inc.
Classification: Benign for Hereditary pheochromocytoma and paraganglioma. Last evaluated: 2026-07-30. Review status: criteria provided, single submitter. Criteria: Myriad Autosomal Dominant, Autosomal Recessive and X-Linked Classification Criteria (2023). Collection method: clinical testing. Allele origin: unknown.
Comment: This variant is considered benign. This variant is a silent/synonymous amino acid change and it is not expected to impact splicing.

Labcorp Genetics (formerly Invitae), Labcorp
Classification: Likely benign for Hereditary pheochromocytoma and paraganglioma. Last evaluated: 2024-09-28. Review status: criteria provided, single submitter. Criteria: Invitae Variant Classification Sherloc (09022015). Collection method: clinical testing. Allele origin: germline.

Ambry Genetics
Classification: Likely benign for Hereditary cancer-predisposing syndrome. Last evaluated: 2022-02-27. Review status: criteria provided, single submitter. Criteria: Ambry Variant Classification Scheme 2023. Collection method: clinical testing. Allele origin: germline.

Illumina Laboratory Services, Illumina
Classification: Likely benign for Pheochromocytoma. Last evaluated: 2018-01-13. Review status: criteria provided, single submitter. Criteria: ICSL Variant Classification Criteria 13 December 2019. Collection method: clinical testing. Allele origin: germline.
Comment: This variant was observed in the ICSL laboratory as part of a predisposition screen in an ostensibly healthy population. It had not been previously curated by ICSL or reported in the Human Gene Mutation Database (HGMD: prior to June 1st, 2018), and was therefore a candidate for classification through an automated scoring system. Utilizing variant allele frequency, disease prevalence and penetrance estimates, and inheritance mode, an automated score was calculated to assess if this variant is too frequent to cause the disease. Based on the score and internal cut-off values, a variant classified as likely benign is not then subjected to further curation. The score for this variant resulted in a classification of likely benign for this disease.

NM_017849.4(TMEM127):c.654G>A (p.Glu218=)

Gene: TMEM127 (transmembrane protein 127; minus strand). Cytogenetic location: 2q11.2.
Variant type: single nucleotide variant.
Coding change: c.654G>A on transcript NM_017849.4 (MANE Select); coding-DNA position 654, G replaced by A.
Protein change: p.Glu218=; no amino-acid change (glutamic acid 218 retained).
Molecular consequence: synonymous variant.
Genome position (GRCh38, 1-based): chr2:96,253,871, C>T on the plus strand (G>A on the coding strand, the complement: TMEM127 is on the minus strand). VCF-style: chr2-96253871-C-T. GRCh37 (hg19) VCF-style: chr2-96919609-C-T.
Other names: c.654G>A, p.Glu218= (NM_001193304.3).
Identifiers: ClinVar variation 337501 (VCV000337501.10), dbSNP rs776822044, ClinGen allele CA1777263.